The following is an entry in ClinVar:

NM_024580.6(EFL1):c.306A>C (p.Glu102Asp)

Gene: EFL1 (elongation factor like GTPase 1; minus strand). Cytogenetic location: 15q25.2.
Variant type: single nucleotide variant.
Coding change: c.306A>C on transcript NM_024580.6 (MANE Select); coding-DNA position 306, A replaced by C.
Protein change: p.Glu102Asp; replaces glutamic acid 102 with aspartic acid.
Molecular consequence: missense variant. On other transcripts: 5 prime UTR variant (1), non-coding transcript variant (1).
Genome position (GRCh38, 1-based): chr15:82,241,342, T>G on the plus strand (A>C on the coding strand, the complement: EFL1 is on the minus strand). VCF-style: chr15-82241342-T-G. GRCh37 (hg19) VCF-style: chr15-82533683-T-G.
Other names: p.Glu102Asp; c.153A>C, p.Glu51Asp (NM_001040610.3); c.-484A>C (NM_001322844.2); c.306A>C, p.Glu102Asp (NM_001322845.2); short protein forms E102D, E51D.
Identifiers: ClinVar variation 1167970 (VCV001167970.19), dbSNP rs201851277, ClinGen allele CA7698311.

ClinVar aggregate classification (germline): Conflicting classifications of pathogenicity. Review status: criteria provided, conflicting classifications (1 of 4 stars). 6 submissions from 6 submitters: Uncertain significance (1); Benign (2); Likely benign (3). Last evaluated 2026-04-07.

Allele frequency attached by ClinVar (database versions not stated): ESP Exome Variant Server 0.00041; TOPMed 0.00051; 1000 Genomes Project 30x 0.00078; 1000 Genomes Project 0.00100; gnomAD exomes 0.00109 and 0.00142; gnomAD 0.00144 and 0.00151; ExAC 0.00149.
gnomAD v4.1: 1,803 of 1,614,002 alleles (0.11%); highest among the groups gnomAD compares: Non-Finnish European, 0.091%; 7 homozygotes.

Submissions (6):

Women's Health and Genetics/Laboratory Corporation of America, LabCorp
Classification: Likely benign. Last evaluated: 2026-04-07. Review status: criteria provided, single submitter. Criteria: LabCorp Variant Classification Summary - May 2015. Collection method: clinical testing. Allele origin: germline.

Labcorp Genetics (formerly Invitae), Labcorp
Classification: Benign. Last evaluated: 2026-01-22. Review status: criteria provided, single submitter. Criteria: Invitae Variant Classification Sherloc (09022015). Collection method: clinical testing. Allele origin: germline.

Mayo Clinic Laboratories, Mayo Clinic
Classification: Uncertain significance. Last evaluated: 2025-10-08. Review status: criteria provided, single submitter. Criteria: ACMG Guidelines, 2015. Collection method: clinical testing. Allele origin: germline. Observed: 1 variant allele.
Comment: BS2

CeGaT Center for Human Genetics Tuebingen
Classification: Likely benign. Last evaluated: 2025-09-01. Review status: criteria provided, single submitter. Criteria: CeGaT Center For Human Genetics Tuebingen Variant Classification Criteria Version 2. Collection method: clinical testing. Allele origin: germline. Affected: yes. Observed: 1 variant allele.
Comment: EFL1: BS1

Blueprint Genetics
Classification: Likely benign. Last evaluated: 2024-11-19. Review status: criteria provided, single submitter. Criteria: ACMG Guidelines, 2015. Collection method: clinical testing. Allele origin: germline.

Breakthrough Genomics
Classification: Benign. Review status: criteria provided, single submitter. Criteria: ACMG Guidelines, 2015. Collection method: not provided. Allele origin: germline. Inheritance: Autosomal recessive inheritance. Affected: yes.